The following is an entry in ClinVar:

NM_005866.4(SIGMAR1):c.446-2A>T

Gene: SIGMAR1 (sigma receptor chaperone 1; minus strand). Cytogenetic location: 9p13.3.
Variant type: single nucleotide variant.
Coding change: c.446-2A>T on transcript NM_005866.4 (MANE Select); the canonical splice acceptor site of the intron before coding-DNA position 446, A replaced by T.
Molecular consequence: splice acceptor variant. On other transcripts: intron variant (1).
Genome position (GRCh38, 1-based): chr9:34,635,860, T>A on the plus strand (A>T on the coding strand, the complement: SIGMAR1 is on the minus strand). VCF-style: chr9-34635860-T-A. GRCh37 (hg19) VCF-style: chr9-34635857-T-A.
Other names: c.386-2A>T (NM_001282207.2); c.306-2A>T (NM_001282209.2); c.146-2A>T (NM_001282206.2); c.353-2A>T (NM_147157.3); c.446-220A>T (NM_001282205.2); c.469-2A>T (NM_001282208.2).
Identifiers: ClinVar variation 5007440 (VCV005007440.2).
Genomic context (GRCh38, chr9:34,635,860, plus strand): 5'-TGTGTTTGGCCCCCACTCCACAGCTGTTGCCTCACCAGGCCCGTGTACTACCGTCTCCCC[T>A]GGGGGACAGGGAGCACCCAAGTGAAAAGCCAGCTCTGCCCTGCCCTTCCATGGCTGCTGC-3'

ClinVar aggregate classification (germline): Likely pathogenic (1 of 4 stars; one submission).

Conditions:
Autosomal recessive distal spinal muscular atrophy 2. Also called: NEURONOPATHY, DISTAL HEREDITARY MOTOR, JERASH TYPE; NEUROPATHY, DISTAL HEREDITARY MOTOR, JERASH TYPE; SPINAL MUSCULAR ATROPHY, JERASH TYPE; NEUROPATHY, DISTAL HEREDITARY MOTOR, AUTOSOMAL RECESSIVE 2; Hereditary motor neuropathy, Jerash type; Motor neuropathy, distal, Jerash type. Identifiers: Orphanet 139552, MedGen C1854023, MONDO:0011585, OMIM 605726.
Amyotrophic lateral sclerosis type 16. Also called: AMYOTROPHIC LATERAL SCLEROSIS 16, JUVENILE. Identifiers: Orphanet 300605, MedGen C3280587, MONDO:0013715, OMIM 614373.

Submission:

Juno Genomics, Hangzhou Juno Genomics, Inc
Classification: Likely pathogenic for Autosomal recessive distal spinal muscular atrophy 2; Amyotrophic lateral sclerosis type 16. Review status: criteria provided, single submitter. Criteria: ACMG Guidelines, 2015. Collection method: clinical testing. Allele origin: germline.
Comment: Absent from controls (or at extremely low frequency if recessive) in Genome Aggregation Database.;Null variant in a gene where loss of function (LOF) is a known mechanism of disease.;For recessive disorders, detected in trans with a pathogenic variant.;Patient's phenotype or family history is highly specific for a disease with a single genetic etiology.